The following is an entry in ClinVar:

NM_001029883.3(PCARE):c.*9C>T

Gene: PCARE (photoreceptor cilium actin regulator; minus strand). Cytogenetic location: 2p23.2.
Variant type: single nucleotide variant.
Coding change: c.*9C>T on transcript NM_001029883.3 (MANE Select); 9 bases downstream of the stop codon, C replaced by T.
Molecular consequence: 3 prime UTR variant.
Genome position (GRCh38, 1-based): chr2:29,064,860, G>A on the plus strand (C>T on the coding strand, the complement: PCARE is on the minus strand). VCF-style: chr2-29064860-G-A. GRCh37 (hg19) VCF-style: chr2-29287726-G-A.
Identifiers: ClinVar variation 4983330 (VCV004983330.1).

ClinVar aggregate classification (germline): Likely benign (1 of 4 stars; one submission).

Conditions:
PCARE-related disorder. Also called: PCARE-related condition.

gnomAD v4.1: 26 of 1,610,212 alleles (0.0016%); highest among the groups gnomAD compares: Middle Eastern, 0.09%; no homozygotes.

Submission:

PreventionGenetics, part of Exact Sciences
Classification: Likely benign for PCARE-related condition. Last evaluated: 2024-12-31. Review status: criteria provided, single submitter. Criteria: ACMG Guidelines, 2015. Collection method: clinical testing. Allele origin: germline.
Comment: This variant is classified as likely benign based on ACMG/AMP sequence variant interpretation guidelines (Richards et al. 2015 PMID: 25741868, with internal and published modifications).